The following is an entry in ClinVar:

ClinVar aggregate classification (germline): Conflicting classifications of pathogenicity. Review status: criteria provided, conflicting classifications (1 of 4 stars). 4 submissions from 4 submitters: Uncertain significance (3); Likely benign (1). Last evaluated 2026-01-29.

Conditions:
Inborn genetic diseases. Identifiers: MedGen C0950123, MeSH D030342.
NBAS-related disorder. Also called: NBAS-related condition.
Short stature-optic atrophy-Pelger-Huët anomaly syndrome. Also called: Short stature, optic nerve atrophy, and Pelger-Huet anomaly; Short stature-optic atrophy-Pelger-HuC+t anomaly syndrome. Identifiers: Orphanet 391677, MedGen C3541319, MONDO:0013889, OMIM 614800.
Infantile liver failure syndrome 2 (ILFS2). Identifiers: MedGen C3809651, MONDO:0014659, OMIM 616483.

Allele frequency attached by ClinVar (database versions not stated): gnomAD exomes 0.00003; ExAC 0.00004; TOPMed 0.00011; gnomAD 0.00012 and 0.00014; ESP Exome Variant Server 0.00015.
gnomAD v4.1: 48 of 1,614,062 alleles (0.003%); highest among the groups gnomAD compares: African/African-American, 0.036%; no homozygotes.

Submissions (4):

PreventionGenetics, part of Exact Sciences
Classification: Uncertain significance for NBAS-related condition. Last evaluated: 2026-01-29. Review status: criteria provided, single submitter. Criteria: ACMG Guidelines, 2015. Collection method: clinical testing. Allele origin: germline.
Comment: The NBAS c.6022A>G variant is predicted to result in the amino acid substitution p.Ile2008Val. To our knowledge, this variant has not been reported in the literature. This variant is reported in 0.028% of alleles in individuals of African descent in gnomAD. At this time, the clinical significance of this variant is uncertain due to the absence of conclusive functional and genetic evidence.

Labcorp Genetics (formerly Invitae), Labcorp
Classification: Likely benign. Last evaluated: 2024-12-22. Review status: criteria provided, single submitter. Criteria: Invitae Variant Classification Sherloc (09022015). Collection method: clinical testing. Allele origin: germline.

Ambry Genetics
Classification: Uncertain significance for Inborn genetic diseases. Last evaluated: 2022-05-25. Review status: criteria provided, single submitter. Criteria: Ambry Variant Classification Scheme 2023. Collection method: clinical testing. Allele origin: germline.

Fulgent Genetics
Classification: Uncertain significance for Short stature-optic atrophy-Pelger-Huët anomaly syndrome; Infantile liver failure syndrome 2. Last evaluated: 2022-04-25. Review status: criteria provided, single submitter. Criteria: ACMG Guidelines, 2015. Collection method: clinical testing. Allele origin: unknown.

NM_015909.4(NBAS):c.6022A>G (p.Ile2008Val)

Gene: NBAS (NBAS subunit of NRZ tethering complex; minus strand). Cytogenetic location: 2p24.3.
Variant type: single nucleotide variant.
Coding change: c.6022A>G on transcript NM_015909.4 (MANE Select); coding-DNA position 6022, A replaced by G.
Protein change: p.Ile2008Val; replaces isoleucine 2008 with valine.
Molecular consequence: missense variant. On other transcripts: non-coding transcript variant (1).
Genome position (GRCh38, 1-based): chr2:15,234,669, T>C on the plus strand (A>G on the coding strand, the complement: NBAS is on the minus strand). VCF-style: chr2-15234669-T-C. GRCh37 (hg19) VCF-style: chr2-15374793-T-C.
Other names: c.6022A>G (NM_015909.2, NM_015909.3); short protein forms I2008V.
Identifiers: ClinVar variation 1439266 (VCV001439266.9), dbSNP rs370669818, ClinGen allele CA1535132.